The following is an entry in ClinVar:

ClinVar aggregate classification (germline): Uncertain significance. Review status: criteria provided, multiple submitters, no conflicts (2 of 4 stars). 2 submissions from 2 submitters: Uncertain significance (2). Last evaluated 2025-01-13.

Conditions:
Hereditary pancreatitis (PCTT). Also called: PRSS1-Related Hereditary Pancreatitis; Hereditary chronic pancreatitis. Identifiers: Orphanet 676, MedGen C0238339, MONDO:0008185, OMIM 167800.

Allele frequency attached by ClinVar (database versions not stated): TOPMed below 0.00001.

Submissions (2):

Mayo Clinic Laboratories, Mayo Clinic
Classification: Uncertain significance. Last evaluated: 2025-01-13. Review status: criteria provided, single submitter. Criteria: ACMG Guidelines, 2015. Collection method: clinical testing. Allele origin: germline. Observed: 1 variant allele.
Comment: PM2_supporting

Labcorp Genetics (formerly Invitae), Labcorp
Classification: Uncertain significance for Hereditary pancreatitis. Last evaluated: 2022-07-16. Review status: criteria provided, single submitter. Criteria: Invitae Variant Classification Sherloc (09022015). Collection method: clinical testing. Allele origin: germline.
Comment: In summary, the available evidence is currently insufficient to determine the role of this variant in disease. Therefore, it has been classified as a Variant of Uncertain Significance. Algorithms developed to predict the effect of sequence changes on RNA splicing suggest that this variant may disrupt the consensus splice site. This variant has not been reported in the literature in individuals affected with PRSS1-related conditions. This sequence change affects a donor splice site in intron 2 of the PRSS1 gene. It is expected to disrupt RNA splicing. Variants that disrupt the donor or acceptor splice site typically lead to a loss of protein function (PMID: 16199547), however the current clinical and genetic evidence is not sufficient to establish whether loss-of-function variants in PRSS1 cause disease. The frequency data for this variant in the population databases is considered unreliable, as metrics indicate poor data quality at this position in the gnomAD database.

Literature cited by the submitters: PubMed 12765848 (cited by Mayo Clinic Laboratories, Mayo Clinic); PubMed 25525159 (cited by Mayo Clinic Laboratories, Mayo Clinic); PubMed 37581535 (cited by Mayo Clinic Laboratories, Mayo Clinic); PubMed 16199547 (cited by Labcorp Genetics (formerly Invitae), Labcorp).

NM_002769.5(PRSS1):c.200+1G>C

Genes: PRSS1 (serine protease 1; plus strand), TRB (T cell receptor beta locus; plus strand). Cytogenetic location: 7q34.
Variant type: single nucleotide variant.
Coding change: c.200+1G>C on transcript NM_002769.5 (MANE Select); the canonical splice donor site of the intron after coding-DNA position 200, G replaced by C.
Molecular consequence: splice donor variant.
Genome position (GRCh38, 1-based): chr7:142,750,715, G>C. VCF-style: chr7-142750715-G-C. GRCh37 (hg19) VCF-style: chr7-142458566-G-C.
Identifiers: ClinVar variation 1904814 (VCV001904814.6), dbSNP rs143909348, ClinGen allele CA369607614.